The following is an entry in ClinVar:

ClinVar aggregate classification (germline): Uncertain significance (1 of 4 stars; one submission).

Conditions:
Catecholaminergic polymorphic ventricular tachycardia 1. Also called: VENTRICULAR TACHYCARDIA, CATECHOLAMINERGIC POLYMORPHIC, 1, WITH OR WITHOUT ATRIAL DYSFUNCTION AND/OR DILATED CARDIOMYOPATHY; RYR2-Related Catecholaminergic Polymorphic Ventricular Tachycardia; VENTRICULAR TACHYCARDIA, STRESS-INDUCED POLYMORPHIC 1. Identifiers: Orphanet 3286, MedGen C1631597, MONDO:0011484, OMIM 604772.

Submission:

Labcorp Genetics (formerly Invitae), Labcorp
Classification: Uncertain significance for Catecholaminergic polymorphic ventricular tachycardia 1. Last evaluated: 2022-07-22. Review status: criteria provided, single submitter. Criteria: Invitae Variant Classification Sherloc (09022015). Collection method: clinical testing. Allele origin: germline.
Comment: In summary, the available evidence is currently insufficient to determine the role of this variant in disease. Therefore, it has been classified as a Variant of Uncertain Significance. Experimental studies and prediction algorithms are not available or were not evaluated, and the functional significance of this variant is currently unknown. This variant has not been reported in the literature in individuals affected with RYR2-related conditions. This variant results in a copy number gain of the genomic region encompassing exon(s) 2-5 of the RYR2 gene. While the exact position of this variant cannot be determined from the data, sub-genic copy number gains are generally in tandem (PMID: 25640679). This variant is predicted to be in-frame, and likely preserves the integrity of the reading frame.

Literature cited by the submitters: PubMed 25640679.

NC_000001.10:g.(?_237433777)_(237527692_?)dup

Gene: RYR2 (ryanodine receptor 2; plus strand). Cytogenetic location: 1q43.
Variant type: Duplication.
Identifiers: ClinVar variation 2423528 (VCV002423528.4).